The following is an entry in ClinVar:

NM_004706.4(ARHGEF1):c.1553G>A (p.Arg518His)

Gene: ARHGEF1 (Rho guanine nucleotide exchange factor 1; plus strand). Cytogenetic location: 19q13.2.
Variant type: single nucleotide variant.
Coding change: c.1553G>A on transcript NM_004706.4 (MANE Select); coding-DNA position 1553, G replaced by A.
Protein change: p.Arg518His; replaces arginine 518 with histidine.
Molecular consequence: missense variant. On other transcripts: non-coding transcript variant (2).
Genome position (GRCh38, 1-based): chr19:41,902,588, G>A. VCF-style: chr19-41902588-G-A. GRCh37 (hg19) VCF-style: chr19-42406738-G-A.
Other names: c.1721G>A, p.Arg574His (NM_001396000.1); c.1454G>A, p.Arg485His (NM_001396002.1, NM_001396004.1, NM_198977.2); c.1553G>A, p.Arg518His (NM_001396003.1, NM_001396006.1); c.1598G>A, p.Arg533His (NM_199002.2); c.1598G>A (NM_199002.1); short protein forms R518H, R485H, R533H, R574H.
Identifiers: ClinVar variation 3017194 (VCV003017194.4), dbSNP rs139162951, ClinGen allele CA9466408.
Genomic context (GRCh38, chr19:41,902,588, plus strand): 5'-TGTAGTTTGATGGTGCTGAGGGCTCCTGGTTCCAGAAAATCTCCTCCCGCTTCTGCAGCC[G>A]CCAGTCATTTGCCTTAGAGCAGCTCAAAGCCAAGCAACGCAAGGACCCTCGGTTCTGTGC-3'
Protein context (NP_004697.2, residues 508-528): FQKISSRFCS[Arg518His]QSFALEQLKA

ClinVar aggregate classification (germline): Uncertain significance. Review status: criteria provided, multiple submitters, no conflicts (2 of 4 stars). 2 submissions from 2 submitters: Uncertain significance (2). Last evaluated 2025-09-25.

Allele frequency attached by ClinVar (database versions not stated): ExAC 0.00001; gnomAD 0.00001; gnomAD exomes 0.00002; TOPMed 0.00002; ESP Exome Variant Server 0.00008.

Submissions (2):

Ambry Genetics
Classification: Uncertain significance. Last evaluated: 2025-09-25. Review status: criteria provided, single submitter. Criteria: Ambry Variant Classification Scheme 2023. Collection method: clinical testing. Allele origin: germline.

Labcorp Genetics (formerly Invitae), Labcorp
Classification: Uncertain significance. Last evaluated: 2024-06-26. Review status: criteria provided, single submitter. Criteria: Invitae Variant Classification Sherloc (09022015). Collection method: clinical testing. Allele origin: germline.
Comment: This sequence change replaces arginine, which is basic and polar, with histidine, which is basic and polar, at codon 533 of the ARHGEF1 protein (p.Arg533His). This variant is present in population databases (rs139162951, gnomAD 0.006%). This variant has not been reported in the literature in individuals affected with ARHGEF1-related conditions. Algorithms developed to predict the effect of missense changes on protein structure and function output the following: SIFT: "Not Available"; PolyPhen-2: "Benign"; Align-GVGD: "Not Available". The histidine amino acid residue is found in multiple mammalian species, which suggests that this missense change does not adversely affect protein function. In summary, the available evidence is currently insufficient to determine the role of this variant in disease. Therefore, it has been classified as a Variant of Uncertain Significance.